The following is an entry in ClinVar:

NM_000553.6(WRN):c.1157del (p.Asn386fs)

Gene: WRN (WRN RecQ like helicase; plus strand). Cytogenetic location: 8p12.
Variant type: Deletion.
Coding change: c.1157del on transcript NM_000553.6 (MANE Select); coding-DNA position 1157, one base deleted (A; older notation c.1157delA).
Protein change: p.Asn386fs; shifts the reading frame from asparagine 386.
Molecular consequence: frameshift variant.
Genome position (GRCh38, 1-based): chr8:31,081,184, A deleted; the last of 2 consecutive A bases (chr8:31,081,183-31,081,184); deleting either gives the same sequence. VCF-style (leftmost placement, unchanged base first): chr8-31081182-GA-G. GRCh37 (hg19) VCF-style: chr8-30938698-GA-G.
Other names: short protein forms N386fs.
Identifiers: ClinVar variation 1451323 (VCV001451323.6), dbSNP rs2130120515, ClinGen allele CA2573142708.

ClinVar aggregate classification (germline): Pathogenic (1 of 4 stars; one submission).

Conditions:
Werner syndrome (WRN). Identifiers: Orphanet 902, MedGen C0043119, MONDO:0010196, OMIM 277700.

Submission:

Labcorp Genetics (formerly Invitae), Labcorp
Classification: Pathogenic for Werner syndrome. Last evaluated: 2020-11-06. Review status: criteria provided, single submitter. Criteria: Invitae Variant Classification Sherloc (09022015). Collection method: clinical testing. Allele origin: germline.
Comment: This sequence change creates a premature translational stop signal (p.Asn386Ilefs*7) in the WRN gene. It is expected to result in an absent or disrupted protein product. Loss-of-function variants in WRN are known to be pathogenic (PMID: 16673358). This variant is not present in population databases (ExAC no frequency). This variant has not been reported in the literature in individuals with WRN-related conditions. For these reasons, this variant has been classified as Pathogenic.

Literature cited by the submitters: PubMed 16673358.